The following is an entry in ClinVar:

NM_001018115.3(FANCD2):c.1947+1G>A

Genes: FANCD2 (FA complementation group D2; plus strand), LOC107303338 (3p25 FANCD2 Alu-mediated recombination region; plus strand). Cytogenetic location: 3p25.3.
Variant type: single nucleotide variant.
Coding change: c.1947+1G>A on transcript NM_001018115.3 (MANE Select); the canonical splice donor site of the intron after coding-DNA position 1947, G replaced by A.
Molecular consequence: splice donor variant.
Genome position (GRCh38, 1-based): chr3:10,063,912, G>A. VCF-style: chr3-10063912-G-A. GRCh37 (hg19) VCF-style: chr3-10105596-G-A.
Other names: c.1947+1G>A (NM_001319984.2, NM_033084.6, NM_001374254.1); c.1836+1G>A (NM_001374253.1).
Identifiers: ClinVar variation 2998659 (VCV002998659.3), dbSNP rs756475711, ClinGen allele CA351730549.

ClinVar aggregate classification (germline): Likely pathogenic (1 of 4 stars; one submission).

Conditions:
Fanconi anemia (FA). Also called: Fanconi's anemia. Identifiers: Orphanet 84, MedGen C0015625, MeSH D005199, MONDO:0019391.

Submission:

Labcorp Genetics (formerly Invitae), Labcorp
Classification: Likely pathogenic for Fanconi anemia. Last evaluated: 2023-07-29. Review status: criteria provided, single submitter. Criteria: Invitae Variant Classification Sherloc (09022015). Collection method: clinical testing. Allele origin: germline.
Comment: Algorithms developed to predict the effect of sequence changes on RNA splicing suggest that this variant may disrupt the consensus splice site. In summary, the currently available evidence indicates that the variant is pathogenic, but additional data are needed to prove that conclusively. Therefore, this variant has been classified as Likely Pathogenic. This variant has not been reported in the literature in individuals affected with FANCD2-related conditions. This variant is not present in population databases (gnomAD no frequency). This sequence change affects a donor splice site in intron 21 of the FANCD2 gene. It is expected to disrupt RNA splicing. Variants that disrupt the donor or acceptor splice site typically lead to a loss of protein function (PMID: 16199547), and loss-of-function variants in FANCD2 are known to be pathogenic (PMID: 17436244).

Literature cited by the submitters: PubMed 16199547; PubMed 17436244.